The following is an entry in ClinVar:

ClinVar aggregate classification (germline): Uncertain significance (1 of 4 stars; one submission).

Conditions:
Pityriasis rubra pilaris (PRP). Also called: Pityriasis rubra pilaris--familial type. Identifiers: Orphanet 2897, MedGen C0032027, MONDO:0100017, OMIM 173200, MONDO:0008251.
Psoriasis 2. Identifiers: MedGen C1864497, MONDO:0011269, OMIM 602723.

Submission:

Labcorp Genetics (formerly Invitae), Labcorp
Classification: Uncertain significance for Pityriasis rubra pilaris; Psoriasis 2. Last evaluated: 2025-09-25. Review status: criteria provided, single submitter. Criteria: Invitae Variant Classification Sherloc (09022015). Collection method: clinical testing. Allele origin: germline.
Comment: This variant, c.2482_2487del, results in the deletion of 2 amino acid(s) of the CARD14 protein (p.Arg828_Pro829del), but otherwise preserves the integrity of the reading frame. This variant is not present in population databases (gnomAD no frequency). This variant has not been reported in the literature in individuals affected with CARD14-related conditions. Experimental studies and prediction algorithms are not available or were not evaluated, and the functional significance of this variant is currently unknown. In summary, the available evidence is currently insufficient to determine the role of this variant in disease. Therefore, it has been classified as a Variant of Uncertain Significance.

NM_001366385.1(CARD14):c.2482_2487del (p.826RP[1])

Genes: SGSH (N-sulfoglucosamine sulfohydrolase; minus strand), CARD14 (caspase recruitment domain family member 14; plus strand), LOC126862662 (MED14-independent group 3 enhancer GRCh37_chr17:78178385-78179584; plus strand). Cytogenetic location: 17q25.3.
Variant type: Deletion.
Coding change: c.2482_2487del on transcript NM_001366385.1 (MANE Select); coding-DNA positions 2482 to 2487, 6 bases deleted (CGGCCT; older notation c.2482_2487delCGGCCT).
Protein change: p.826RP[1].
Molecular consequence: non-coding transcript variant (on NR_047566.2).
Genome position (GRCh38, 1-based): chr17:80,205,118-80,205,123, CGGCCT deleted. VCF-style (leftmost placement, unchanged base first): chr17-80205117-CCGGCCT-C. GRCh37 (hg19) VCF-style: chr17-78178916-CCGGCCT-C.
Other names: c.2482_2487del, p.826RP[1] (NM_024110.4).
Identifiers: ClinVar variation 4786233 (VCV004786233.1).